The following is an entry in ClinVar:

ClinVar aggregate classification (germline): Uncertain significance (1 of 4 stars; one submission).

Conditions:
Familial adenomatous polyposis 1 (FAP1). Also called: FAMILIAL ADENOMATOUS POLYPOSIS 1, ATTENUATED; POLYPOSIS, ADENOMATOUS INTESTINAL. Identifiers: MedGen C2713442, MONDO:0021056, OMIM 175100. Disease mechanism: loss of function.

Submission:

Labcorp Genetics (formerly Invitae), Labcorp
Classification: Uncertain significance for Familial adenomatous polyposis 1. Last evaluated: 2018-04-13. Review status: criteria provided, single submitter. Criteria: Invitae Variant Classification Sherloc (09022015). Collection method: clinical testing. Allele origin: germline.
Comment: In summary, the available evidence is currently insufficient to determine the role of this variant in disease. Therefore, it has been classified as a Variant of Uncertain Significance. This sequence change replaces tryptophan with glycine at codon 1049 of the APC protein (p.Trp1049Gly). The tryptophan residue is highly conserved and there is a large physicochemical difference between tryptophan and glycine. This variant is not present in population databases (ExAC no frequency). This variant has not been reported in the literature in individuals with APC-related disease. Algorithms developed to predict the effect of missense changes on protein structure and function (SIFT, PolyPhen-2, Align-GVGD) all suggest that this variant is likely to be disruptive, but these predictions have not been confirmed by published functional studies and their clinical significance is uncertain.

NM_000038.6(APC):c.3145T>G (p.Trp1049Gly)

Gene: APC (APC regulator of Wnt signaling pathway; plus strand). Cytogenetic location: 5q22.2.
Variant type: single nucleotide variant.
Coding change: c.3145T>G on transcript NM_000038.6 (MANE Select); coding-DNA position 3145, T replaced by G.
Protein change: p.Trp1049Gly; replaces tryptophan 1049 with glycine.
Molecular consequence: missense variant.
Genome position (GRCh38, 1-based): chr5:112,838,739, T>G. VCF-style: chr5-112838739-T-G. GRCh37 (hg19) VCF-style: chr5-112174436-T-G.
Other names: c.3145T>G, p.Trp1049Gly (NM_001127510.3, NM_001354895.2); c.3091T>G, p.Trp1031Gly (NM_001127511.3); c.3199T>G, p.Trp1067Gly (NM_001354896.2); c.3175T>G, p.Trp1059Gly (NM_001354897.2); c.3070T>G, p.Trp1024Gly (NM_001354898.2); c.3061T>G, p.Trp1021Gly (NM_001354899.2); c.3022T>G, p.Trp1008Gly (NM_001354900.2); c.2968T>G, p.Trp990Gly (NM_001354901.2); and 5 more; short protein forms W1031G, W1049G, W1008G, W889G, W990G, W1021G, W766G, W958G.
Identifiers: ClinVar variation 581261 (VCV000581261.10), dbSNP rs587779787, ClinGen allele CA16028227.
Genomic context (GRCh38, chr5:112,838,739, plus strand): 5'-CTTAAATATTCAGATGAGCAGTTGAACTCTGGAAGGCAAAGTCCTTCACAGAATGAAAGA[T>G]GGGCAAGACCCAAACACATAATAGAAGATGAAATAAAACAAAGTGAGCAAAGACAATCAA-3'
Protein context (NP_000029.2, residues 1039-1059): GRQSPSQNER[Trp1049Gly]ARPKHIIEDE